The following is an entry in ClinVar:

ClinVar aggregate classification (germline): Uncertain significance (1 of 4 stars; one submission).

Submission:

Ambry Genetics
Classification: Uncertain significance. Last evaluated: 2022-10-09. Review status: criteria provided, single submitter. Criteria: Ambry Variant Classification Scheme 2023. Collection method: clinical testing. Allele origin: germline.
Comment: The p.D398E variant (also known as c.1194T>A), located in coding exon 11 of the RAD54L gene, results from a T to A substitution at nucleotide position 1194. The aspartic acid at codon 398 is replaced by glutamic acid, an amino acid with highly similar properties. This amino acid position is conserved. In addition, this alteration is predicted to be tolerated by in silico analysis. Since supporting evidence is limited at this time, the clinical significance of this alteration remains unclear.

NM_003579.4(RAD54L):c.1194T>A (p.Asp398Glu)

Gene: RAD54L (RAD54 like; plus strand). Cytogenetic location: 1p34.1.
Variant type: single nucleotide variant.
Coding change: c.1194T>A on transcript NM_003579.4 (MANE Select); coding-DNA position 1194, T replaced by A.
Protein change: p.Asp398Glu; replaces aspartic acid 398 with glutamic acid.
Molecular consequence: missense variant.
Genome position (GRCh38, 1-based): chr1:46,272,490, T>A. VCF-style: chr1-46272490-T-A. GRCh37 (hg19) VCF-style: chr1-46738162-T-A.
Other names: c.1194T>A, p.Asp398Glu (NM_001142548.2); c.654T>A, p.Asp218Glu (NM_001370766.1); short protein forms D398E, D218E.
Identifiers: ClinVar variation 1745700 (VCV001745700.2), dbSNP rs773964517, ClinGen allele CA340176979.
Genomic context (GRCh38, chr1:46,272,490, plus strand): 5'-TACCAGCCTCTTGCCTTTTTATCCTGTTTTCTCTAGATGCCTGATACGGAGGACTTCTGA[T>A]ATCCTTTCTAAATATCTGCCTGTGAAGATTGAGCAGGTCGTTTGTTGTAGGTACTGAACT-3'
Protein context (NP_003570.2, residues 388-408): VNRCLIRRTS[Asp398Glu]ILSKYLPVKI